The following is an entry in ClinVar:

ClinVar aggregate classification (germline): Uncertain significance (1 of 4 stars; one submission).

gnomAD v4.1: 1 of 1,604,080 alleles (0.000062%); no homozygotes.

Submission:

Labcorp Genetics (formerly Invitae), Labcorp
Classification: Uncertain significance. Last evaluated: 2022-02-22. Review status: criteria provided, single submitter. Criteria: Invitae Variant Classification Sherloc (09022015). Collection method: clinical testing. Allele origin: germline.
Comment: In summary, the available evidence is currently insufficient to determine the role of this variant in disease. Therefore, it has been classified as a Variant of Uncertain Significance. Algorithms developed to predict the effect of missense changes on protein structure and function (SIFT, PolyPhen-2, Align-GVGD) all suggest that this variant is likely to be disruptive. This variant has not been reported in the literature in individuals affected with ASAH1-related conditions. This variant is not present in population databases (gnomAD no frequency). This sequence change replaces aspartic acid, which is acidic and polar, with histidine, which is basic and polar, at codon 55 of the ASAH1 protein (p.Asp55His).

NM_177924.5(ASAH1):c.163G>C (p.Asp55His)

Gene: ASAH1 (N-acylsphingosine amidohydrolase 1; minus strand). Cytogenetic location: 8p22.
Variant type: single nucleotide variant.
Coding change: c.163G>C on transcript NM_177924.5 (MANE Select); coding-DNA position 163, G replaced by C.
Protein change: p.Asp55His; replaces aspartic acid 55 with histidine.
Molecular consequence: missense variant. On other transcripts: 5 prime UTR variant (1).
Genome position (GRCh38, 1-based): chr8:18,071,353, C>G on the plus strand (G>C on the coding strand, the complement: ASAH1 is on the minus strand). VCF-style: chr8-18071353-C-G. GRCh37 (hg19) VCF-style: chr8-17928862-C-G.
Other names: c.232G>C, p.Asp78His (NM_001127505.3); c.-33G>C (NM_001363743.2); c.211G>C, p.Asp71His (NM_004315.6); short protein forms D71H, D55H, D78H.
Identifiers: ClinVar variation 1969493 (VCV001969493.3), dbSNP rs1800166892, ClinGen allele CA370433996.